The following is an entry in ClinVar:

ClinVar aggregate classification (germline): Pathogenic (1 of 4 stars; one submission).

Conditions:
Hyperornithinemia-hyperammonemia-homocitrullinuria syndrome (HHHS). Also called: Ornithine translocase deficiency; HHH SYNDROME. Identifiers: Orphanet 415, MedGen C0268540, MONDO:0009393, OMIM 238970.

Submission:

Labcorp Genetics (formerly Invitae), Labcorp
Classification: Pathogenic for Hyperornithinemia-hyperammonemia-homocitrullinuria syndrome. Last evaluated: 2023-06-23. Review status: criteria provided, single submitter. Criteria: Invitae Variant Classification Sherloc (09022015). Collection method: clinical testing. Allele origin: germline.
Comment: This variant disrupts a region of the SLC25A15 protein in which other variant(s) (p.Arg275*) have been determined to be pathogenic (PMID: 16376511, 23430880; Invitae). This suggests that this is a clinically significant region of the protein, and that variants that disrupt it are likely to be disease-causing. For these reasons, this variant has been classified as Pathogenic. This variant has not been reported in the literature in individuals affected with SLC25A15-related conditions. This variant is not present in population databases (gnomAD no frequency). This sequence change creates a premature translational stop signal (p.Asn259Lysfs*2) in the SLC25A15 gene. While this is not anticipated to result in nonsense mediated decay, it is expected to disrupt the last 43 amino acid(s) of the SLC25A15 protein.

Literature cited by the submitters: PubMed 16376511; PubMed 23430880.

NM_014252.4(SLC25A15):c.776dup (p.Asn259fs)

Gene: SLC25A15 (solute carrier family 25 member 15; plus strand). Cytogenetic location: 13q14.11.
Variant type: Duplication.
Coding change: c.776dup on transcript NM_014252.4 (MANE Select); coding-DNA position 776, one base duplicated (A; older notation c.776dupA).
Protein change: p.Asn259fs; shifts the reading frame from asparagine 259.
Molecular consequence: frameshift variant.
Genome position (GRCh38, 1-based): chr13:40,808,591, A duplicated; the last of 5 consecutive A bases (chr13:40,808,587-40,808,591); duplicating any one gives the same sequence. VCF-style (leftmost placement, unchanged base first): chr13-40808586-G-GA. GRCh37 (hg19) VCF-style: chr13-41382722-G-GA.
Other names: short protein forms N259fs.
Identifiers: ClinVar variation 2847831 (VCV002847831.3), dbSNP rs2546922719, ClinGen allele CA2739277598.
Genomic context (GRCh38, chr13:40,808,586, plus strand): 5'-TCAAGTTCTTTCCATGTCTGGAAAACAGGCAGGATTTATCAGAACCTTTATAAATGTTGT[G>GA]AAAAATGAAGGTGAGTAAATACCTGTTTTTCAAGCATCTATATACATCTTAAAATCTGAG-3'